The following is an entry in ClinVar:

ClinVar aggregate classification (germline): Uncertain significance (1 of 4 stars; one submission).

Conditions:
PKD1-related disorder. Also called: PKD1-related condition.

gnomAD v4.1: 20 of 1,590,490 alleles (0.0013%); highest among the groups gnomAD compares: Non-Finnish European, 0.0016%; no homozygotes.

Submission:

PreventionGenetics, part of Exact Sciences
Classification: Uncertain significance for PKD1-related condition. Last evaluated: 2024-10-08. Review status: criteria provided, single submitter. Criteria: ACMG Guidelines, 2015. Collection method: clinical testing. Allele origin: germline.
Comment: The PKD1 c.5835C>G variant is predicted to result in the amino acid substitution p.Asp1945Glu. To our knowledge, this variant has not been reported in the literature or in a large population database (gnomAD), indicating this variant is rare. At this time, the clinical significance of this variant is uncertain due to the absence of conclusive functional and genetic evidence.

NM_001009944.3(PKD1):c.5835C>G (p.Asp1945Glu)

Gene: PKD1 (polycystin 1, transient receptor potential channel interacting; minus strand). Cytogenetic location: 16p13.3.
Variant type: single nucleotide variant.
Coding change: c.5835C>G on transcript NM_001009944.3 (MANE Select); coding-DNA position 5835, C replaced by G.
Protein change: p.Asp1945Glu; replaces aspartic acid 1945 with glutamic acid.
Molecular consequence: missense variant.
Genome position (GRCh38, 1-based): chr16:2,109,332, G>C on the plus strand (C>G on the coding strand, the complement: PKD1 is on the minus strand). VCF-style: chr16-2109332-G-C. GRCh37 (hg19) VCF-style: chr16-2159333-G-C.
Other names: c.5835C>G, p.Asp1945Glu (NM_000296.4); short protein forms D1945E.
Identifiers: ClinVar variation 4983818 (VCV004983818.1).